The following is an entry in ClinVar:

NM_025074.7(FRAS1):c.3665G>A (p.Arg1222Lys)

Gene: FRAS1 (Fraser extracellular matrix complex subunit 1; plus strand). Cytogenetic location: 4q21.21.
Variant type: single nucleotide variant.
Coding change: c.3665G>A on transcript NM_025074.7 (MANE Select); coding-DNA position 3665, G replaced by A.
Protein change: p.Arg1222Lys; replaces arginine 1222 with lysine.
Molecular consequence: missense variant.
Genome position (GRCh38, 1-based): chr4:78,387,391, G>A. VCF-style: chr4-78387391-G-A. GRCh37 (hg19) VCF-style: chr4-79308545-G-A.
Other names: c.3665G>A, p.Arg1222Lys (NM_001166133.2); short protein forms R1222K.
Identifiers: ClinVar variation 2065281 (VCV002065281.1), dbSNP rs747562608, ClinGen allele CA99958153.

ClinVar aggregate classification (germline): Uncertain significance (1 of 4 stars; one submission).

Allele frequency attached by ClinVar (database versions not stated): TOPMed below 0.00001.
gnomAD v4.1: 2 of 1,609,706 alleles (0.00012%); highest among the groups gnomAD compares: Admixed American, 0.0033%; no homozygotes.

Submission:

Labcorp Genetics (formerly Invitae), Labcorp
Classification: Uncertain significance. Last evaluated: 2022-07-07. Review status: criteria provided, single submitter. Criteria: Invitae Variant Classification Sherloc (09022015). Collection method: clinical testing. Allele origin: germline.
Comment: This sequence change replaces arginine, which is basic and polar, with lysine, which is basic and polar, at codon 1222 of the FRAS1 protein (p.Arg1222Lys). This variant is present in population databases (no rsID available, gnomAD 0.003%). This variant has not been reported in the literature in individuals affected with FRAS1-related conditions. Algorithms developed to predict the effect of missense changes on protein structure and function output the following: SIFT: "Deleterious"; PolyPhen-2: "Benign"; Align-GVGD: "Class C0". The lysine amino acid residue is found in multiple mammalian species, which suggests that this missense change does not adversely affect protein function. In summary, the available evidence is currently insufficient to determine the role of this variant in disease. Therefore, it has been classified as a Variant of Uncertain Significance.